The following is an entry in ClinVar:

ClinVar aggregate classification (germline): Uncertain significance (1 of 4 stars; one submission).

Conditions:
Cardiovascular phenotype. Identifiers: MedGen CN230736.

Allele frequency attached by ClinVar (database versions not stated): ExAC 0.00002; gnomAD 0.00002; gnomAD exomes 0.00003; TOPMed 0.00003.

Submission:

Ambry Genetics
Classification: Uncertain significance for Cardiovascular phenotype. Last evaluated: 2023-11-21. Review status: criteria provided, single submitter. Criteria: Ambry Variant Classification Scheme 2023. Collection method: clinical testing. Allele origin: germline.
Comment: The p.R322H variant (also known as c.965G>A), located in coding exon 6 of the LCAT gene, results from a G to A substitution at nucleotide position 965. The arginine at codon 322 is replaced by histidine, an amino acid with highly similar properties. This amino acid position is conserved. In addition, the in silico prediction for this alteration is inconclusive. Since supporting evidence is limited at this time, the clinical significance of this alteration remains unclear.

NM_000229.2(LCAT):c.965G>A (p.Arg322His)

Gene: LCAT (lecithin-cholesterol acyltransferase; minus strand). Cytogenetic location: 16q22.1.
Variant type: single nucleotide variant.
Coding change: c.965G>A on transcript NM_000229.2 (MANE Select); coding-DNA position 965, G replaced by A.
Protein change: p.Arg322His; replaces arginine 322 with histidine.
Molecular consequence: missense variant.
Genome position (GRCh38, 1-based): chr16:67,940,262, C>T on the plus strand (G>A on the coding strand, the complement: LCAT is on the minus strand). VCF-style: chr16-67940262-C-T. GRCh37 (hg19) VCF-style: chr16-67974165-C-T.
Other names: short protein forms R322H.
Identifiers: ClinVar variation 1767696 (VCV001767696.2), dbSNP rs753759978, ClinGen allele CA8120926.
Genomic context (GRCh38, chr16:67,940,262, plus strand): 5'-CCCACGCCGTAAAGACAGTATACTTCCACACCAGGTGCTGGGAGTCCTGCCAGGAGGTCA[C>T]GTGACTGCAGCCACATGTACCAGCCTTCCTCAAAGTGCAGGTCTGCAAAGAAGCGTTGGA-3'
Protein context (NP_000220.1, residues 312-332): EEGWYMWLQS[Arg322His]DLLAGLPAPG